The following is an entry in ClinVar:

ClinVar aggregate classification (germline): Uncertain significance. Review status: criteria provided, multiple submitters, no conflicts (2 of 4 stars). 2 submissions from 2 submitters: Uncertain significance (2). Last evaluated 2023-01-01.

Conditions:
Primary dilated cardiomyopathy (DCM). Also called: Dilated Cardiomyopathy. Identifiers: Orphanet 217604, MedGen C0007193, MeSH D002311, MONDO:0005021, HP:0001644. Inheritance: Various modes of inheritance.
Cardiovascular phenotype. Identifiers: MedGen CN230736.

Allele frequency attached by ClinVar (database versions not stated): TOPMed 0.00002.
gnomAD v4.1: 37 of 1,612,658 alleles (0.0023%); highest among the groups gnomAD compares: Non-Finnish European, 0.003%; no homozygotes.

Submissions (2):

Ambry Genetics
Classification: Uncertain significance for Cardiovascular phenotype. Last evaluated: 2023-01-01. Review status: criteria provided, single submitter. Criteria: Ambry Variant Classification Scheme 2023. Collection method: clinical testing. Allele origin: germline.
Comment: The p.A100E variant (also known as c.299C>A), located in coding exon 4 of the TXNRD2 gene, results from a C to A substitution at nucleotide position 299. The alanine at codon 100 is replaced by glutamic acid, an amino acid with dissimilar properties. This amino acid position is conserved. In addition, this alteration is predicted to be deleterious by in silico analysis. Since supporting evidence is limited at this time, the clinical significance of this alteration remains unclear.

Labcorp Genetics (formerly Invitae), Labcorp
Classification: Uncertain significance for Primary dilated cardiomyopathy. Last evaluated: 2020-01-31. Review status: criteria provided, single submitter. Criteria: Invitae Variant Classification Sherloc (09022015). Collection method: clinical testing. Allele origin: germline.
Comment: In summary, the available evidence is currently insufficient to determine the role of this variant in disease. Therefore, it has been classified as a Variant of Uncertain Significance. Algorithms developed to predict the effect of missense changes on protein structure and function (SIFT, PolyPhen-2, Align-GVGD) all suggest that this variant is likely to be disruptive, but these predictions have not been confirmed by published functional studies and their clinical significance is uncertain. This variant has not been reported in the literature in individuals with TXNRD2-related conditions. This variant is not present in population databases (ExAC no frequency). This sequence change replaces alanine with glutamic acid at codon 100 of the TXNRD2 protein (p.Ala100Glu). The alanine residue is highly conserved and there is a moderate physicochemical difference between alanine and glutamic acid.

NM_006440.5(TXNRD2):c.299C>A (p.Ala100Glu)

Gene: TXNRD2 (thioredoxin reductase 2; minus strand). Cytogenetic location: 22q11.21.
Variant type: single nucleotide variant.
Coding change: c.299C>A on transcript NM_006440.5 (MANE Select); coding-DNA position 299, C replaced by A.
Protein change: p.Ala100Glu; replaces alanine 100 with glutamic acid.
Molecular consequence: missense variant. On other transcripts: non-coding transcript variant (1).
Genome position (GRCh38, 1-based): chr22:19,918,935, G>T on the plus strand (C>A on the coding strand, the complement: TXNRD2 is on the minus strand). VCF-style: chr22-19918935-G-T. GRCh37 (hg19) VCF-style: chr22-19906458-G-T.
Other names: c.299C>A, p.Ala100Glu (NM_001282512.3); c.296C>A, p.Ala99Glu (NM_001352300.2); c.209C>A, p.Ala70Glu (NM_001352301.2); c.11C>A, p.Ala4Glu (NM_001352302.2); c.203C>A, p.Ala68Glu (NM_001352303.2); c.299C>A (NM_006440.3); short protein forms A100E, A4E, A68E, A70E, A99E.
Identifiers: ClinVar variation 1011316 (VCV001011316.9), dbSNP rs767878935, ClinGen allele CA410693871.